The following is an entry in ClinVar:

NM_000112.4(SLC26A2):c.583_584del (p.Gly195fs)

Gene: SLC26A2 (solute carrier family 26 member 2; plus strand). Cytogenetic location: 5q32.
Variant type: Deletion.
Coding change: c.583_584del on transcript NM_000112.4 (MANE Select); coding-DNA positions 583 to 584, 2 bases deleted (GG; older notation c.583_584delGG).
Protein change: p.Gly195fs; shifts the reading frame from glycine 195.
Molecular consequence: frameshift variant.
Genome position (GRCh38, 1-based): chr5:149,978,235-149,978,236, GG deleted. VCF-style (leftmost placement, unchanged base first): chr5-149978234-AGG-A. GRCh37 (hg19) VCF-style: chr5-149357797-AGG-A.
Other names: short protein forms G195fs.
Identifiers: ClinVar variation 4823939 (VCV004823939.1).

ClinVar aggregate classification (germline): Pathogenic (1 of 4 stars; one submission).

Conditions:
Diastrophic dysplasia (DTD). Also called: Diastrophic dwarfism. Identifiers: Orphanet 628, MedGen C0220726, MONDO:0009107, OMIM 222600.

Submission:

Laboratory of Functional Genomics, Research Centre for Medical Genetics
Classification: Pathogenic for Diastrophic dysplasia. Last evaluated: 2025-11-25. Review status: criteria provided, single submitter. Criteria: ACMG Guidelines, 2015. Collection method: clinical testing. Allele origin: germline. Inheritance: Autosomal recessive inheritance. Affected: yes. Observed: 1 variant allele.
Comment: This variant does not present in the gnomAD v4.1.0 database.